The following is an entry in ClinVar:

ClinVar aggregate classification (germline): Uncertain significance. Review status: criteria provided, multiple submitters, no conflicts (2 of 4 stars). 5 submissions from 5 submitters: Uncertain significance (5). Last evaluated 2025-10-15.

Conditions:
PEX26-related disorder. Also called: PEX26-related condition.
Peroxisome biogenesis disorder 7A (Zellweger). Also called: Peroxisome biogenesis disorder 7A. Identifiers: Orphanet 912, MedGen C3888385, MONDO:0013938, OMIM 614872.
Peroxisome biogenesis disorder 7B (PBD7B). Identifiers: Orphanet 44, MedGen C3553951, MONDO:0013939, OMIM 614873.
Inborn genetic diseases. Identifiers: MedGen C0950123, MeSH D030342.

Allele frequency attached by ClinVar (database versions not stated): ExAC 0.00001; gnomAD 0.00001; gnomAD exomes 0.00001 and 0.00002; TOPMed 0.00002.

Submissions (5):

Ambry Genetics
Classification: Uncertain significance for Inborn genetic diseases. Last evaluated: 2025-10-15. Review status: criteria provided, single submitter. Criteria: Ambry Variant Classification Scheme 2023. Collection method: clinical testing. Allele origin: germline.

Blueprint Genetics
Classification: Uncertain significance. Last evaluated: 2023-05-22. Review status: criteria provided, single submitter. Criteria: ACMG Guidelines, 2015. Collection method: clinical testing. Allele origin: germline.

PreventionGenetics, part of Exact Sciences
Classification: Uncertain significance for PEX26-related condition. Last evaluated: 2023-03-08. Review status: criteria provided, single submitter. Criteria: ACMG Guidelines, 2015. Collection method: clinical testing. Allele origin: germline.
Comment: The PEX26 c.889C>T variant is predicted to result in the amino acid substitution p.Arg297Cys. To our knowledge, this variant has not been reported in the literature. This variant is reported in 0.012% of alleles in individuals of Latino descent in gnomAD. At this time, the clinical significance of this variant is uncertain due to the absence of conclusive functional and genetic evidence.

Labcorp Genetics (formerly Invitae), Labcorp
Classification: Uncertain significance for Peroxisome biogenesis disorder 7A (Zellweger); Peroxisome biogenesis disorder 7B. Last evaluated: 2022-09-27. Review status: criteria provided, single submitter. Criteria: Invitae Variant Classification Sherloc (09022015). Collection method: clinical testing. Allele origin: germline.
Comment: This sequence change replaces arginine, which is basic and polar, with cysteine, which is neutral and slightly polar, at codon 297 of the PEX26 protein (p.Arg297Cys). This variant is present in population databases (rs780701336, gnomAD 0.01%). This variant has not been reported in the literature in individuals affected with PEX26-related conditions. ClinVar contains an entry for this variant (Variation ID: 340756). Algorithms developed to predict the effect of missense changes on protein structure and function (SIFT, PolyPhen-2, Align-GVGD) all suggest that this variant is likely to be tolerated. In summary, the available evidence is currently insufficient to determine the role of this variant in disease. Therefore, it has been classified as a Variant of Uncertain Significance.

Illumina Laboratory Services, Illumina
Classification: Uncertain significance for Peroxisome biogenesis disorder 7A (Zellweger). Last evaluated: 2018-01-13. Review status: criteria provided, single submitter. Criteria: ICSL Variant Classification Criteria 13 December 2019. Collection method: clinical testing. Allele origin: germline.

NM_001127649.3(PEX26):c.889C>T (p.Arg297Cys)

Gene: PEX26 (peroxisomal biogenesis factor 26; plus strand). Cytogenetic location: 22q11.21.
Variant type: single nucleotide variant.
Coding change: c.889C>T on transcript NM_001127649.3 (MANE Select); coding-DNA position 889, C replaced by T.
Protein change: p.Arg297Cys; replaces arginine 297 with cysteine.
Molecular consequence: missense variant.
Genome position (GRCh38, 1-based): chr22:18,088,046, C>T. VCF-style: chr22-18088046-C-T. GRCh37 (hg19) VCF-style: chr22-18570812-C-T.
Other names: c.742C>T, p.Arg248Cys (NM_001199319.2); c.889C>T, p.Arg297Cys (NM_017929.6); short protein forms R297C, R248C.
Identifiers: ClinVar variation 340756 (VCV000340756.12), dbSNP rs780701336, ClinGen allele CA10093443.
Genomic context (GRCh38, chr22:18,088,046, plus strand): 5'-CTGCACTTCCTCTACAAGCTGGCCCAGCTCTTCCGCTGGATCCGGAAGGCTGCATTTTCT[C>T]GCCTCTACCAGCTCCGCATCCGTGACTGAGGGTCCCTGCGCACCACAGCCTCTCTGCTCC-3'
Protein context (NP_001121121.1, residues 287-305): FRWIRKAAFS[Arg297Cys]LYQLRIRD